The following is an entry in ClinVar:

NM_001942.4(DSG1):c.1171A>G (p.Thr391Ala)

Gene: DSG1 (desmoglein 1; plus strand). Cytogenetic location: 18q12.1.
Variant type: single nucleotide variant.
Coding change: c.1171A>G on transcript NM_001942.4 (MANE Select); coding-DNA position 1171, A replaced by G.
Protein change: p.Thr391Ala; replaces threonine 391 with alanine.
Molecular consequence: missense variant.
Genome position (GRCh38, 1-based): chr18:31,336,519, A>G. VCF-style: chr18-31336519-A-G. GRCh37 (hg19) VCF-style: chr18-28916482-A-G.
Other names: short protein forms T391A.
Identifiers: ClinVar variation 1715520 (VCV001715520.5), dbSNP rs2510834405, ClinGen allele CA402133946.

ClinVar aggregate classification (germline): Uncertain significance (1 of 4 stars; one submission).

Allele frequency attached by ClinVar (database versions not stated): gnomAD exomes below 0.00001.
gnomAD v4.1: 3 of 1,614,036 alleles (0.00019%); highest among the groups gnomAD compares: Non-Finnish European, 0.00025%; no homozygotes.

Submission:

Labcorp Genetics (formerly Invitae), Labcorp
Classification: Uncertain significance. Last evaluated: 2022-08-07. Review status: criteria provided, single submitter. Criteria: Invitae Variant Classification Sherloc (09022015). Collection method: clinical testing. Allele origin: germline.
Comment: This sequence change replaces threonine, which is neutral and polar, with alanine, which is neutral and non-polar, at codon 391 of the DSG1 protein (p.Thr391Ala). This variant is not present in population databases (gnomAD no frequency). This variant has not been reported in the literature in individuals affected with DSG1-related conditions. Algorithms developed to predict the effect of missense changes on protein structure and function (SIFT, PolyPhen-2, Align-GVGD) all suggest that this variant is likely to be tolerated. In summary, the available evidence is currently insufficient to determine the role of this variant in disease. Therefore, it has been classified as a Variant of Uncertain Significance.